The following is an entry in ClinVar:

ClinVar aggregate classification (germline): Uncertain significance. Review status: criteria provided, multiple submitters, no conflicts (2 of 4 stars). 2 submissions from 2 submitters: Uncertain significance (2). Last evaluated 2024-10-16.

gnomAD v4.1: 6 of 1,612,200 alleles (0.00037%); highest among the groups gnomAD compares: Non-Finnish European, 0.00051%; no homozygotes.

Submissions (3):

Labcorp Genetics (formerly Invitae), Labcorp
Classification: Uncertain significance. Last evaluated: 2024-10-16. Review status: criteria provided, single submitter. Criteria: Invitae Variant Classification Sherloc (09022015). Collection method: clinical testing. Allele origin: germline.
Comment: This sequence change falls in intron 2 of the NRL gene. It does not directly change the encoded amino acid sequence of the NRL protein. It affects a nucleotide within the consensus splice site. This variant is present in population databases (no rsID available, gnomAD 0.0009%). This variant has not been reported in the literature in individuals affected with NRL-related conditions. Variants that disrupt the consensus splice site are a relatively common cause of aberrant splicing (PMID: 17576681, 9536098). Algorithms developed to predict the effect of sequence changes on RNA splicing suggest that this variant is not likely to affect RNA splicing. In summary, the available evidence is currently insufficient to determine the role of this variant in disease. Therefore, it has been classified as a Variant of Uncertain Significance.

Blueprint Genetics
Classification: Uncertain significance. Last evaluated: 2022-09-28. Review status: criteria provided, single submitter. Criteria: ACMG Guidelines, 2015. Collection method: clinical testing. Allele origin: germline.

Dr. Peter K. Rogan Lab, Western University
No classification provided (evidence only). Condition: Malignant tumor of urinary bladder. Review status: no classification provided. Collection method: in vitro. Allele origin: not applicable. Functional consequence: retained intron. Not counted in ClinVar's aggregate classification.

Literature cited by the submitters: PubMed 17576681 (cited by Labcorp Genetics (formerly Invitae), Labcorp); PubMed 9536098 (cited by Labcorp Genetics (formerly Invitae), Labcorp).

NM_001354768.3(NRL):c.381+3G>C

Gene: NRL (neural retina leucine zipper; minus strand). Cytogenetic location: 14q11.2.
Variant type: single nucleotide variant.
Coding change: c.381+3G>C on transcript NM_001354768.3 (MANE Select); 3 bases into the intron after coding-DNA position 381, G replaced by C.
Molecular consequence: intron variant.
Genome position (GRCh38, 1-based): chr14:24,082,465, C>G on the plus strand (G>C on the coding strand, the complement: NRL is on the minus strand). VCF-style: chr14-24082465-C-G. GRCh37 (hg19) VCF-style: chr14-24551674-C-G.
Other names: c.381+3G>C (NM_001354769.1, NM_006177.5); c.66+318G>C (NM_001354770.2).
Identifiers: ClinVar variation 3608885 (VCV003608885.4).